The following is an entry in ClinVar:

NM_001128840.3(CACNA1D):c.2416G>A (p.Asp806Asn)

Gene: CACNA1D (calcium voltage-gated channel subunit alpha1 D; plus strand). Cytogenetic location: 3p21.1.
Variant type: single nucleotide variant.
Coding change: c.2416G>A on transcript NM_001128840.3 (MANE Select); coding-DNA position 2416, G replaced by A.
Protein change: p.Asp806Asn; replaces aspartic acid 806 with asparagine.
Molecular consequence: missense variant.
Genome position (GRCh38, 1-based): chr3:53,732,025, G>A. VCF-style: chr3-53732025-G-A. GRCh37 (hg19) VCF-style: chr3-53766052-G-A.
Other names: c.2476G>A, p.Asp826Asn (NM_000720.4); c.2416G>A, p.Asp806Asn (NM_001128839.3); c.2476G>A (NM_000720.2); short protein forms D826N, D806N.
Identifiers: ClinVar variation 4691938 (VCV004691938.2).

ClinVar aggregate classification (germline): Uncertain significance. Review status: criteria provided, multiple submitters, no conflicts (2 of 4 stars). 2 submissions from 2 submitters: Uncertain significance (2). Last evaluated 2026-03-09.

Submissions (2):

GeneDx
Classification: Uncertain significance. Last evaluated: 2026-03-09. Review status: criteria provided, single submitter. Criteria: GeneDx Variant Classification Process June 2021. Collection method: clinical testing. Allele origin: germline.
Comment: Not observed at significant frequency in large population cohorts (gnomAD); In silico analysis supports that this missense variant has a deleterious effect on protein structure/function; Has not been previously published as pathogenic or benign to our knowledge

Labcorp Genetics (formerly Invitae), Labcorp
Classification: Uncertain significance. Last evaluated: 2025-09-19. Review status: criteria provided, single submitter. Criteria: Invitae Variant Classification Sherloc (09022015). Collection method: clinical testing. Allele origin: germline.
Comment: This sequence change replaces aspartic acid, which is acidic and polar, with asparagine, which is neutral and polar, at codon 826 of the CACNA1D protein (p.Asp826Asn). This variant is not present in population databases (gnomAD no frequency). This variant has not been reported in the literature in individuals affected with CACNA1D-related conditions. Invitae Evidence Modeling of protein sequence and biophysical properties (such as structural, functional, and spatial information, amino acid conservation, physicochemical variation, residue mobility, and thermodynamic stability) indicates that this missense variant is not expected to disrupt CACNA1D protein function with a negative predictive value of 80%. In summary, the available evidence is currently insufficient to determine the role of this variant in disease. Therefore, it has been classified as a Variant of Uncertain Significance.